The following is an entry in ClinVar:

NM_001382567.1(STIM1):c.643A>C (p.Met215Leu)

Gene: STIM1 (stromal interaction molecule 1; plus strand). Cytogenetic location: 11p15.4.
Variant type: single nucleotide variant.
Coding change: c.643A>C on transcript NM_001382567.1 (MANE Select); coding-DNA position 643, A replaced by C.
Protein change: p.Met215Leu; replaces methionine 215 with leucine.
Molecular consequence: missense variant. On other transcripts: non-coding transcript variant (2).
Genome position (GRCh38, 1-based): chr11:4,070,055, A>C. VCF-style: chr11-4070055-A-C. GRCh37 (hg19) VCF-style: chr11-4091285-A-C.
Other names: c.643A>C, p.Met215Leu (NM_001277961.3, NM_001277962.2, NM_001382568.1 and 2 more transcripts); c.421A>C, p.Met141Leu (NM_001382566.1, NM_001382573.1, NM_001382574.1 and 5 more transcripts); c.508A>C, p.Met170Leu (NM_001382569.1); c.415A>C, p.Met139Leu (NM_001382570.1); c.163A>C, p.Met55Leu (NM_001382571.1); c.154A>C, p.Met52Leu (NM_001382580.1, NM_001382581.1); short protein forms M139L, M141L, M170L, M215L, M52L, M55L.
Identifiers: ClinVar variation 2690167 (VCV002690167.3), dbSNP rs2498370315, ClinGen allele CA379486015.

ClinVar aggregate classification (germline): Uncertain significance. Review status: criteria provided, multiple submitters, no conflicts (2 of 4 stars). 2 submissions from 2 submitters: Uncertain significance (2). Last evaluated 2025-11-05.

gnomAD v4.1: 1 of 1,614,112 alleles (0.000062%); highest among the groups gnomAD compares: Non-Finnish European, 0.000085%; no homozygotes.

Submissions (2):

Women's Health and Genetics/Laboratory Corporation of America, LabCorp
Classification: Uncertain significance. Last evaluated: 2025-11-05. Review status: criteria provided, single submitter. Criteria: LabCorp Variant Classification Summary - May 2015. Collection method: clinical testing. Allele origin: germline.
Comment: Variant summary: STIM1 c.643A>C (p.Met215Leu) results in a conservative amino acid change in the encoded protein sequence. Algorithms developed to predict the effect of missense changes on protein structure and function are either unavailable or do not agree on the potential impact of this missense change. The variant was absent in 251478 control chromosomes. The available data on variant occurrences in the general population are insufficient to allow any conclusion about variant significance. To our knowledge, no occurrence of c.643A>C in individuals affected with STIM1-related conditions and no experimental evidence demonstrating its impact on protein function have been reported. ClinVar contains an entry for this variant (Variation ID: 2690167). Based on the evidence outlined above, the variant was classified as uncertain significance.

Revvity Omics, Revvity
Classification: Uncertain significance. Last evaluated: 2023-08-03. Review status: criteria provided, single submitter. Criteria: ACMG Guidelines, 2015. Collection method: clinical testing. Allele origin: germline.